The following is an entry in ClinVar:

ClinVar aggregate classification (germline): Pathogenic (1 of 4 stars; one submission).

Conditions:
Hereditary cancer-predisposing syndrome. Also called: Neoplastic Syndromes, Hereditary; Tumor predisposition; Hereditary Cancer Syndrome; Hereditary neoplastic syndrome. Identifiers: Orphanet 140162, MedGen C0027672, MeSH D009386, MONDO:0015356.

Submission:

Ambry Genetics
Classification: Pathogenic for Hereditary cancer-predisposing syndrome. Last evaluated: 2019-07-22. Review status: criteria provided, single submitter. Criteria: Ambry Variant Classification Scheme 2023. Collection method: clinical testing. Allele origin: germline.
Comment: The c.4035_4038dupTACT pathogenic mutation, located in coding exon 10 of the BRCA2 gene, results from a duplication of TACT at nucleotide position 4035, causing a translational frameshift with a predicted alternate stop codon (p.V1347Yfs*6). This alteration is expected to result in loss of function by premature protein truncation or nonsense-mediated mRNA decay. As such, this alteration is interpreted as a disease-causing mutation.

NM_000059.4(BRCA2):c.4035_4038dup (p.Val1347fs)

Gene: BRCA2 (BRCA2 DNA repair associated; plus strand). Cytogenetic location: 13q13.1.
Variant type: Duplication.
Coding change: c.4035_4038dup on transcript NM_000059.4 (MANE Select); coding-DNA positions 4035 to 4038, 4 bases duplicated (TACT; older notation c.4035_4038dupTACT).
Protein change: p.Val1347fs; shifts the reading frame from valine 1347.
Molecular consequence: frameshift variant.
Genome position (GRCh38, 1-based): chr13:32,338,390-32,338,393, TACT duplicated. VCF-style (leftmost placement, unchanged base first): chr13-32338389-A-ATACT. GRCh37 (hg19) VCF-style: chr13-32912526-A-ATACT.
Other names: c.4035_4038dup, p.Val1347Tyrfs (NM_001406719.1, NM_001406720.1); c.4035_4038dupTACT (NM_000059.3); short protein forms V1347fs.
Identifiers: ClinVar variation 1737232 (VCV001737232.2), dbSNP rs2548527466, ClinGen allele CA2580087238.